The following is an entry in ClinVar:

ClinVar aggregate classification (germline): Uncertain significance. Review status: criteria provided, multiple submitters, no conflicts (2 of 4 stars). 3 submissions from 3 submitters: Uncertain significance (3). Last evaluated 2026-09-21.

Conditions:
Inborn genetic diseases. Identifiers: MedGen C0950123, MeSH D030342.
PCNT-related disorder. Also called: PCNT-related condition.

gnomAD v4.1: 10 of 1,613,788 alleles (0.00062%); highest among the groups gnomAD compares: African/African-American, 0.0053%; no homozygotes.

Submissions (3):

PreventionGenetics, part of Exact Sciences
Classification: Uncertain significance for PCNT-related condition. Last evaluated: 2026-09-21. Review status: criteria provided, single submitter. Criteria: ACMG Guidelines, 2015. Collection method: clinical testing. Allele origin: germline.
Comment: The PCNT c.2047C>G variant is predicted to result in the amino acid substitution p.Leu683Val. To our knowledge, this variant has not been reported in the literature. This variant is reported in 0.0080% of alleles in individuals of African descent in gnomAD. At this time, the clinical significance of this variant is uncertain due to the absence of conclusive functional and genetic evidence.

GeneDx
Classification: Uncertain significance. Last evaluated: 2026-04-24. Review status: criteria provided, single submitter. Criteria: GeneDx Variant Classification Process June 2021. Collection method: clinical testing. Allele origin: germline.
Comment: Not observed at significant frequency in large population cohorts (gnomAD); In silico analysis suggests that this missense variant does not alter protein structure/function; Has not been previously published as pathogenic or benign to our knowledge

Ambry Genetics
Classification: Uncertain significance for Inborn genetic diseases. Last evaluated: 2025-05-04. Review status: criteria provided, single submitter. Criteria: Ambry Variant Classification Scheme 2023. Collection method: clinical testing. Allele origin: germline.

NM_006031.6(PCNT):c.2047C>G (p.Leu683Val)

Gene: PCNT (pericentrin; plus strand). Cytogenetic location: 21q22.3.
Variant type: single nucleotide variant.
Coding change: c.2047C>G on transcript NM_006031.6 (MANE Select); coding-DNA position 2047, C replaced by G.
Protein change: p.Leu683Val; replaces leucine 683 with valine.
Molecular consequence: missense variant.
Genome position (GRCh38, 1-based): chr21:46,357,084, C>G. VCF-style: chr21-46357084-C-G. GRCh37 (hg19) VCF-style: chr21-47776999-C-G.
Other names: c.1693C>G, p.Leu565Val (NM_001315529.2); short protein forms L565V, L683V.
Identifiers: ClinVar variation 3352548 (VCV003352548.4).